The following is an entry in ClinVar:

NM_022436.3(ABCG5):c.1432G>A (p.Ala478Thr)

Genes: ABCG5 (ATP binding cassette subfamily G member 5; minus strand), DYNC2LI1 (dynein cytoplasmic 2 light intermediate chain 1; plus strand). Cytogenetic location: 2p21.
Variant type: single nucleotide variant.
Coding change: c.1432G>A on transcript NM_022436.3 (MANE Select); coding-DNA position 1432, G replaced by A.
Protein change: p.Ala478Thr; replaces alanine 478 with threonine.
Molecular consequence: missense variant. On other transcripts: intron variant (2).
Genome position (GRCh38, 1-based): chr2:43,822,828, C>T on the plus strand (G>A on the coding strand, the complement: ABCG5 is on the minus strand). VCF-style: chr2-43822828-C-T. GRCh37 (hg19) VCF-style: chr2-44049967-C-T.
Other names: c.*16-4558C>T (NM_001348913.2, NM_001348912.2); short protein forms A478T.
Identifiers: ClinVar variation 3384592 (VCV003384592.2).

ClinVar aggregate classification (germline): Conflicting classifications of pathogenicity. Review status: criteria provided, conflicting classifications (1 of 4 stars). 2 submissions from 2 submitters: Uncertain significance (1); Likely benign (1). Last evaluated 2026-06-03.

Conditions:
Cardiovascular phenotype. Identifiers: MedGen CN230736.

gnomAD v4.1: 29 of 1,614,012 alleles (0.0018%); highest among the groups gnomAD compares: Non-Finnish European, 0.0022%; no homozygotes.

Submissions (2):

Ambry Genetics
Classification: Likely benign for Cardiovascular phenotype. Last evaluated: 2026-06-03. Review status: criteria provided, single submitter. Criteria: Ambry Variant Classification Scheme 2023. Collection method: clinical testing. Allele origin: germline.

GeneDx
Classification: Uncertain significance. Last evaluated: 2024-06-05. Review status: criteria provided, single submitter. Criteria: GeneDx Variant Classification Process June 2021. Collection method: clinical testing. Allele origin: germline. Affected: yes.
Comment: Not observed at significant frequency in large population cohorts (gnomAD); In silico analysis indicates that this missense variant does not alter protein structure/function; Has not been previously published as pathogenic or benign to our knowledge

Literature cited by the submitters: PubMed 18641716 (cited by Ambry Genetics).